The following is an entry in ClinVar:

ClinVar aggregate classification (germline): Benign (1 of 4 stars; one submission).

Allele frequency attached by ClinVar (database versions not stated): gnomAD 0.21775 and 0.22344; TOPMed 0.23145; 1000 Genomes Project 30x 0.26983; 1000 Genomes Project 0.27875.
gnomAD v4.1: 33,933 of 152,094 alleles (22%); highest among the groups gnomAD compares: East Asian, 55%; 4,173 homozygotes.

Submission:

GeneDx
Classification: Benign. Last evaluated: 2018-06-14. Review status: criteria provided, single submitter. Criteria: GeneDx Variant Classification (06012015). Collection method: clinical testing. Allele origin: germline. Affected: yes.
Comment: This variant is considered likely benign or benign based on one or more of the following criteria: it is a conservative change, it occurs at a poorly conserved position in the protein, it is predicted to be benign by multiple in silico algorithms, and/or has population frequency not consistent with disease.

NM_014049.5(ACAD9):c.882+196T>C

Gene: ACAD9 (acyl-CoA dehydrogenase family member 9; plus strand). Cytogenetic location: 3q21.3.
Variant type: single nucleotide variant.
Coding change: c.882+196T>C on transcript NM_014049.5 (MANE Select); 196 bases into the intron after coding-DNA position 882, T replaced by C.
Molecular consequence: intron variant.
Genome position (GRCh38, 1-based): chr3:128,901,545, T>C. VCF-style: chr3-128901545-T-C. GRCh37 (hg19) VCF-style: chr3-128620388-T-C.
Identifiers: ClinVar variation 677921 (VCV000677921.1), dbSNP rs1680795, ClinGen allele CA11420191.